The following is an entry in ClinVar:

ClinVar aggregate classification (germline): Uncertain significance (1 of 4 stars; one submission).

Conditions:
Inborn genetic diseases. Identifiers: MedGen C0950123, MeSH D030342.

Allele frequency attached by ClinVar (database versions not stated): ExAC 0.00003.

Submission:

Ambry Genetics
Classification: Uncertain significance for Inborn genetic diseases. Last evaluated: 2022-01-26. Review status: criteria provided, single submitter. Criteria: Ambry Variant Classification Scheme 2023. Collection method: clinical testing. Allele origin: germline.
Comment: The c.204+5G>C intronic alteration consists of a G to C substitution 5 nucleotides after exon 3 of the NEDD4L gene. Based on insufficient or conflicting evidence, the clinical significance of this alteration remains unclear.

NM_001144967.3(NEDD4L):c.204+5G>C

Gene: NEDD4L (NEDD4 like E3 ubiquitin protein ligase; plus strand). Cytogenetic location: 18q21.31.
Variant type: single nucleotide variant.
Coding change: c.204+5G>C on transcript NM_001144967.3 (MANE Select); 5 bases into the intron after coding-DNA position 204, G replaced by C.
Molecular consequence: intron variant.
Genome position (GRCh38, 1-based): chr18:58,245,513, G>C. VCF-style: chr18-58245513-G-C. GRCh37 (hg19) VCF-style: chr18-55912745-G-C.
Other names: c.204+5G>C (NM_015277.6, NM_001243960.2); c.-160+5G>C (NM_001144964.1, NM_001144971.2, NM_001144965.2 and 2 more transcripts); c.180+5G>C (NM_001144968.2, NM_001144969.2).
Identifiers: ClinVar variation 2266289 (VCV002266289.2), dbSNP rs747682359, ClinGen allele CA8975249.